The following is an entry in ClinVar:

ClinVar aggregate classification (germline): Likely pathogenic (1 of 4 stars; one submission).

Conditions:
Usher syndrome type 2A. Also called: RETINAL DISEASE IN USHER SYNDROME TYPE IIA, MODIFIER OF; USHER SYNDROME, TYPE IIA. Identifiers: Orphanet 231178, Orphanet 886, MedGen C1848634, MONDO:0010169, OMIM 276901.

Submission:

Myriad Genetics, Inc.
Classification: Likely pathogenic for Usher syndrome type 2A. Last evaluated: 2022-03-30. Review status: criteria provided, single submitter. Criteria: Myriad Women's Health Autosomal Recessive and X-Linked Classification Criteria (2021). Collection method: clinical testing. Allele origin: unknown.
Comment: NM_206933.2(USH2A):c.2423_2425del3ins5(C808Sfs*49) is expected to be pathogenic in the context of USH2A-related disorders. This variant is predicted to lead to an abnormal or absent protein product due to the creation of a premature termination codon in USH2A, a gene where loss-of-function variants are known to be pathogenic. Please note: this variant was assessed in the context of healthy population screening.

NM_206933.4(USH2A):c.2423_2425delinsCTTAT (p.Cys808fs)

Genes: USH2A (usherin; minus strand), LOC122152296 (Sharpr-MPRA regulatory region 8762; plus strand). Cytogenetic location: 1q41.
Variant type: Indel.
Coding change: c.2423_2425delinsCTTAT on transcript NM_206933.4 (MANE Select); coding-DNA positions 2423 to 2425, GTA replaced by CTTAT.
Protein change: p.Cys808fs; shifts the reading frame from cysteine 808.
Molecular consequence: frameshift variant.
Genome position (GRCh38, 1-based): chr1:216,246,969-216,246,971, TAC replaced by ATAAG on the plus strand (GTA replaced by CTTAT on the coding strand, the reverse complement: USH2A is on the minus strand). VCF-style: chr1-216246969-TAC-ATAAG. GRCh37 (hg19) VCF-style: chr1-216420311-TAC-ATAAG.
Other names: c.2423_2425delinsCTTAT, p.Cys808fs (NM_007123.6); short protein forms C808fs.
Identifiers: ClinVar variation 1725673 (VCV001725673.2), dbSNP rs2528162842, ClinGen allele CA2580062133.